The following is an entry in ClinVar:

NM_000243.3(MEFV):c.778C>A (p.Leu260Ile)

Gene: MEFV (MEFV innate immunity regulator, pyrin; minus strand). Cytogenetic location: 16p13.3.
Variant type: single nucleotide variant.
Coding change: c.778C>A on transcript NM_000243.3 (MANE Select); coding-DNA position 778, C replaced by A.
Protein change: p.Leu260Ile; replaces leucine 260 with isoleucine.
Molecular consequence: missense variant. On other transcripts: intron variant (1).
Genome position (GRCh38, 1-based): chr16:3,254,290, G>T on the plus strand (C>A on the coding strand, the complement: MEFV is on the minus strand). VCF-style: chr16-3254290-G-T. GRCh37 (hg19) VCF-style: chr16-3304290-G-T.
Other names: c.277+2021C>A (NM_001198536.2); short protein forms L260I.
Identifiers: ClinVar variation 2093191 (VCV002093191.4), dbSNP rs1229981464, ClinGen allele CA394477613.

ClinVar aggregate classification (germline): Uncertain significance (1 of 4 stars; one submission).

Conditions:
Familial Mediterranean fever (FMF). Also called: POLYSEROSITIS, FAMILIAL PAROXYSMAL; POLYSEROSITIS, RECURRENT; Periodic peritonitis; Benign paroxysmal peritonitis. Identifiers: Orphanet 342, MedGen C0031069, MONDO:0018088, OMIM 249100. Disease mechanism: gain of function.

Submission:

Labcorp Genetics (formerly Invitae), Labcorp
Classification: Uncertain significance for Familial Mediterranean fever. Last evaluated: 2022-10-24. Review status: criteria provided, single submitter. Criteria: Invitae Variant Classification Sherloc (09022015). Collection method: clinical testing. Allele origin: germline.
Comment: This sequence change replaces leucine, which is neutral and non-polar, with isoleucine, which is neutral and non-polar, at codon 260 of the MEFV protein (p.Leu260Ile). This variant is not present in population databases (gnomAD no frequency). This variant has not been reported in the literature in individuals affected with MEFV-related conditions. Algorithms developed to predict the effect of missense changes on protein structure and function (SIFT, PolyPhen-2, Align-GVGD) all suggest that this variant is likely to be tolerated. In summary, the available evidence is currently insufficient to determine the role of this variant in disease. Therefore, it has been classified as a Variant of Uncertain Significance.